The following is an entry in ClinVar:

ClinVar aggregate classification (germline): Uncertain significance (1 of 4 stars; one submission).

Conditions:
Hereditary cancer-predisposing syndrome. Also called: Neoplastic Syndromes, Hereditary; Tumor predisposition; Hereditary neoplastic syndrome; Hereditary Cancer Syndrome. Identifiers: Orphanet 140162, MedGen C0027672, MeSH D009386, MONDO:0015356.

Submission:

Ambry Genetics
Classification: Uncertain significance for Hereditary cancer-predisposing syndrome. Last evaluated: 2019-06-21. Review status: criteria provided, single submitter. Criteria: Ambry Variant Classification Scheme 2023. Collection method: clinical testing. Allele origin: germline.
Comment: The p.D1802N variant (also known as c.5404G>A), located in coding exon 41 of the TSC2 gene, results from a G to A substitution at nucleotide position 5404. The aspartic acid at codon 1802 is replaced by asparagine, an amino acid with highly similar properties. This amino acid position is highly conserved in available vertebrate species. In addition, the in silico prediction for this alteration is inconclusive. Since supporting evidence is limited at this time, the clinical significance of this alteration remains unclear.

NM_000548.5(TSC2):c.5404G>A (p.Asp1802Asn)

Gene: TSC2 (TSC complex subunit 2; plus strand). Cytogenetic location: 16p13.3.
Variant type: single nucleotide variant.
Coding change: c.5404G>A on transcript NM_000548.5 (MANE Select); coding-DNA position 5404, G replaced by A.
Protein change: p.Asp1802Asn; replaces aspartic acid 1802 with asparagine.
Molecular consequence: missense variant.
Genome position (GRCh38, 1-based): chr16:2,088,590, G>A. VCF-style: chr16-2088590-G-A. GRCh37 (hg19) VCF-style: chr16-2138591-G-A.
Other names: c.5203G>A, p.Asp1735Asn (NM_001077183.3); c.5335G>A, p.Asp1779Asn (NM_001114382.3); c.5095G>A, p.Asp1699Asn (NM_001318827.2); c.5059G>A, p.Asp1687Asn (NM_001318829.2); c.4672G>A, p.Asp1558Asn (NM_001318831.2); c.5236G>A, p.Asp1746Asn (NM_001318832.2); c.5206G>A, p.Asp1736Asn (NM_001363528.2); c.5272G>A, p.Asp1758Asn (NM_001370404.1); and 2 more; short protein forms D1687N, D1758N, D1699N, D1735N, D1746N, D1558N, D1755N, D1736N.
Identifiers: ClinVar variation 825707 (VCV000825707.4), dbSNP rs1596464614, ClinGen allele CA394316182.